The following is an entry in ClinVar:

ClinVar aggregate classification (germline): Benign (1 of 4 stars; one submission).

Submission:

ISCA site 4
Classification: Benign. Last evaluated: 2011-08-12. Review status: criteria provided, single submitter. Criteria: Kaminsky et al. (Genet Med. 2011). Collection method: clinical testing. Allele origin: unknown. Affected: yes. Observed: 1 variant allele.
Comment: Copy number variation identified through the course of routine clinical cytogenomic testing in postnatal populations. Clinical assertions have been curated as described in Kaminsky et al. 2011.

GRCh37/hg19 14q32.3(chr14:106252705-106538480)x1

Genes: FAM30A (family with sequence similarity 30 member A; plus strand), IGH (immunoglobulin heavy locus; minus strand), IGHA1 (immunoglobulin heavy constant alpha 1; minus strand), IGHD (immunoglobulin heavy constant delta; minus strand), IGHD1-1 (immunoglobulin heavy diversity 1-1; minus strand) and 49 more. Cytogenetic location: 14q32.3.
Variant type: copy number loss.
Change: copy number 1 (one copy instead of two) of chr14:106,252,705-106,538,480 (285.8 kb, GRCh37 coordinates, 1-based), cytogenetic band 14q32.3.
Identifiers: ClinVar variation 57511 (VCV000057511.1).